The following is an entry in ClinVar:

ClinVar aggregate classification (germline): Uncertain significance (0 of 4 stars; one submission).

Allele frequency attached by ClinVar (database versions not stated): ExAC 0.00001.

Submission:

Genetic Services Laboratory, University of Chicago
Classification: Uncertain significance. Last evaluated: 2022-12-14. Review status: no assertion criteria provided. Collection method: clinical testing. Allele origin: germline. Affected: no.
Comment: DNA sequence analysis of the FANCD2 gene demonstrated a sequence change in intron 17, c.1545+5C>A. This change does not appear to have been previously described in individuals with FANCD2-related disorders. This sequence change has been described in the gnomAD database in one individual which corresponds to a population frequency of 0.0004% (dbSNP rs747600237). In-silico splice prediction programs provide inconclusive results for this sequence change. The functional significance of this sequence change is not known at present and its contribution to this individual's disease phenotype cannot definitively be determined.

NM_001018115.3(FANCD2):c.1545+5C>A

Genes: FANCD2 (FA complementation group D2; plus strand), LOC107303338 (3p25 FANCD2 Alu-mediated recombination region; plus strand). Cytogenetic location: 3p25.3.
Variant type: single nucleotide variant.
Coding change: c.1545+5C>A on transcript NM_001018115.3 (MANE Select); 5 bases into the intron after coding-DNA position 1545, C replaced by A.
Molecular consequence: intron variant.
Genome position (GRCh38, 1-based): chr3:10,049,510, C>A. VCF-style: chr3-10049510-C-A. GRCh37 (hg19) VCF-style: chr3-10091194-C-A.
Other names: c.1545+5C>A (NM_001319984.2, NM_001374253.1, NM_033084.6 and 1 more transcripts).
Identifiers: ClinVar variation 2443129 (VCV002443129.2), dbSNP rs747600237, ClinGen allele CA2249691.